The following is an entry in ClinVar:

ClinVar aggregate classification (germline): Uncertain significance. Review status: criteria provided, multiple submitters, no conflicts (2 of 4 stars). 2 submissions from 2 submitters: Uncertain significance (2). Last evaluated 2025-10-21.

Conditions:
Inborn genetic diseases. Identifiers: MedGen C0950123, MeSH D030342.
Nephronophthisis. Also called: Juvenile Nephronophthisis. Identifiers: Orphanet 655, MedGen C0687120, MONDO:0019005, HP:0000090.
Meckel-Gruber syndrome. Also called: DYSENCEPHALIA SPLANCHNOCYSTICA; GRUBER SYNDROME; Dysencephalia splachnocystica. Identifiers: Orphanet 564, MedGen C0265215, MONDO:0018921.
Joubert syndrome. Also called: CEREBELLOPARENCHYMAL DISORDER IV; JOUBERT-BOLTSHAUSER SYNDROME; Familial aplasia of the vermis. Identifiers: Orphanet 475, MedGen C5979921, MONDO:0018772.

Submissions (2):

Ambry Genetics
Classification: Uncertain significance for Inborn genetic diseases. Last evaluated: 2025-10-21. Review status: criteria provided, single submitter. Criteria: Ambry Variant Classification Scheme 2023. Collection method: clinical testing. Allele origin: germline.

Labcorp Genetics (formerly Invitae), Labcorp
Classification: Uncertain significance for Joubert syndrome; Meckel-Gruber syndrome; Nephronophthisis. Last evaluated: 2025-03-03. Review status: criteria provided, single submitter. Criteria: Invitae Variant Classification Sherloc (09022015). Collection method: clinical testing. Allele origin: germline.
Comment: This sequence change replaces aspartic acid, which is acidic and polar, with histidine, which is basic and polar, at codon 1999 of the CEP290 protein (p.Asp1999His). This variant is not present in population databases (gnomAD no frequency). This variant has not been reported in the literature in individuals affected with CEP290-related conditions. ClinVar contains an entry for this variant (Variation ID: 1477904). Invitae Evidence Modeling of protein sequence and biophysical properties (such as structural, functional, and spatial information, amino acid conservation, physicochemical variation, residue mobility, and thermodynamic stability) indicates that this missense variant is not expected to disrupt CEP290 protein function with a negative predictive value of 80%. In summary, the available evidence is currently insufficient to determine the role of this variant in disease. Therefore, it has been classified as a Variant of Uncertain Significance.

NM_025114.4(CEP290):c.5995G>C (p.Asp1999His)

Gene: CEP290 (centrosomal protein 290; minus strand). Cytogenetic location: 12q21.32.
Variant type: single nucleotide variant.
Coding change: c.5995G>C on transcript NM_025114.4 (MANE Select); coding-DNA position 5995, G replaced by C.
Protein change: p.Asp1999His; replaces aspartic acid 1999 with histidine.
Molecular consequence: missense variant.
Genome position (GRCh38, 1-based): chr12:88,071,310, C>G on the plus strand (G>C on the coding strand, the complement: CEP290 is on the minus strand). VCF-style: chr12-88071310-C-G. GRCh37 (hg19) VCF-style: chr12-88465087-C-G.
Other names: c.5995G>C (NM_025114.3); short protein forms D1999H.
Identifiers: ClinVar variation 1477904 (VCV001477904.9), dbSNP rs2136955385, ClinGen allele CA385983238.